The following is an entry in ClinVar:

NM_000116.5(TAFAZZIN):c.322C>A (p.Leu108Ile)

Gene: TAFAZZIN (tafazzin, phospholipid-lysophospholipid transacylase; plus strand). Cytogenetic location: Xq28.
Variant type: single nucleotide variant.
Coding change: c.322C>A on transcript NM_000116.5 (MANE Select); coding-DNA position 322, C replaced by A.
Protein change: p.Leu108Ile; replaces leucine 108 with isoleucine.
Molecular consequence: missense variant. On other transcripts: non-coding transcript variant (1).
Genome position (GRCh38, 1-based): chrX:154,413,519, C>A. VCF-style: chrX-154413519-C-A. GRCh37 (hg19) VCF-style: chrX-153641856-C-A.
Other names: c.376C>A, p.Leu126Ile (NM_001303465.2, NM_001410698.1); c.322C>A, p.Leu108Ile (NM_181311.4, NM_181312.4, NM_181313.4); short protein forms L108I, L126I.
Identifiers: ClinVar variation 2883575 (VCV002883575.3), dbSNP rs2522942389, ClinGen allele CA415181795.

ClinVar aggregate classification (germline): Uncertain significance (1 of 4 stars; one submission).

Conditions:
3-Methylglutaconic aciduria type 2 (BTHS). Also called: Barth syndrome; CARDIOSKELETAL MYOPATHY WITH NEUTROPENIA AND ABNORMAL MITOCHONDRIA. Identifiers: Orphanet 111, MedGen C0574083, MONDO:0010543, OMIM 302060.

Submission:

Labcorp Genetics (formerly Invitae), Labcorp
Classification: Uncertain significance for 3-Methylglutaconic aciduria type 2. Last evaluated: 2024-04-30. Review status: criteria provided, single submitter. Criteria: Invitae Variant Classification Sherloc (09022015). Collection method: clinical testing. Allele origin: germline.
Comment: This sequence change replaces leucine, which is neutral and non-polar, with isoleucine, which is neutral and non-polar, at codon 108 of the TAZ protein (p.Leu108Ile). This variant is not present in population databases (gnomAD no frequency). This variant has not been reported in the literature in individuals affected with TAZ-related conditions. An algorithm developed to predict the effect of missense changes on protein structure and function (PolyPhen-2) suggests that this variant is likely to be tolerated. In summary, the available evidence is currently insufficient to determine the role of this variant in disease. Therefore, it has been classified as a Variant of Uncertain Significance.